The following is an entry in ClinVar:

ClinVar aggregate classification (germline): Likely benign (1 of 4 stars; one submission).

gnomAD v4.1: 154 of 657,950 alleles (0.023%); highest among the groups gnomAD compares: Non-Finnish European, 0.028%; 1 homozygote.

Submission:

Mayo Clinic Laboratories, Mayo Clinic
Classification: Likely benign. Last evaluated: 2025-08-11. Review status: criteria provided, single submitter. Criteria: ACMG Guidelines, 2015. Collection method: clinical testing. Allele origin: germline. Observed: 1 variant allele.
Comment: BP4, BP7

NM_004750.5(CRLF1):c.-9G>T

Gene: CRLF1 (cytokine receptor like factor 1; minus strand). Cytogenetic location: 19p13.11.
Variant type: single nucleotide variant.
Coding change: c.-9G>T on transcript NM_004750.5 (MANE Select); 9 bases upstream of the start codon, G replaced by T.
Molecular consequence: 5 prime UTR variant.
Genome position (GRCh38, 1-based): chr19:18,606,665, C>A on the plus strand (G>T on the coding strand, the complement: CRLF1 is on the minus strand). VCF-style: chr19-18606665-C-A. GRCh37 (hg19) VCF-style: chr19-18717475-C-A.
Identifiers: ClinVar variation 4684366 (VCV004684366.1).